The following is an entry in ClinVar:

ClinVar aggregate classification (germline): Uncertain significance (1 of 4 stars; one submission).

Conditions:
Familial hypocalciuric hypercalcemia (FHH). Also called: Familial benign hypercalcemia. Identifiers: Orphanet 405, MedGen C1809471, MONDO:0018458.
Autosomal dominant hypocalcemia 1 (HYPOC1). Also called: HYPOCALCEMIA, FAMILIAL. Identifiers: MedGen C3715128, MONDO:0011013, OMIM 601198.

Allele frequency attached by ClinVar (database versions not stated): gnomAD exomes below 0.00001.
gnomAD v4.1: 1 of 1,613,838 alleles (0.000062%); highest among the groups gnomAD compares: Non-Finnish European, 0.000085%; no homozygotes.

Submission:

Labcorp Genetics (formerly Invitae), Labcorp
Classification: Uncertain significance for Familial hypocalciuric hypercalcemia; Autosomal dominant hypocalcemia 1. Last evaluated: 2024-04-10. Review status: criteria provided, single submitter. Criteria: Invitae Variant Classification Sherloc (09022015). Collection method: clinical testing. Allele origin: germline.
Comment: This sequence change replaces valine, which is neutral and non-polar, with isoleucine, which is neutral and non-polar, at codon 643 of the CASR protein (p.Val643Ile). This variant is not present in population databases (gnomAD no frequency). This variant has not been reported in the literature in individuals affected with CASR-related conditions. ClinVar contains an entry for this variant (Variation ID: 1939394). An algorithm developed to predict the effect of missense changes on protein structure and function (PolyPhen-2) suggests that this variant is likely to be disruptive. In summary, the available evidence is currently insufficient to determine the role of this variant in disease. Therefore, it has been classified as a Variant of Uncertain Significance.

NM_000388.4(CASR):c.1927G>A (p.Val643Ile)

Gene: CASR (calcium sensing receptor; plus strand). Cytogenetic location: 3q21.1.
Variant type: single nucleotide variant.
Coding change: c.1927G>A on transcript NM_000388.4 (MANE Select); coding-DNA position 1927, G replaced by A.
Protein change: p.Val643Ile; replaces valine 643 with isoleucine.
Molecular consequence: missense variant.
Genome position (GRCh38, 1-based): chr3:122,283,881, G>A. VCF-style: chr3-122283881-G-A. GRCh37 (hg19) VCF-style: chr3-122002728-G-A.
Other names: c.1957G>A, p.Val653Ile (NM_001178065.2); short protein forms V643I, V653I.
Identifiers: ClinVar variation 1939394 (VCV001939394.5), dbSNP rs2473276980, ClinGen allele CA354158020.